The following is an entry in ClinVar:

NM_006567.5(FARS2):c.677A>G (p.His226Arg)

Gene: FARS2 (phenylalanyl-tRNA synthetase 2, mitochondrial; plus strand). Cytogenetic location: 6p25.1.
Variant type: single nucleotide variant.
Coding change: c.677A>G on transcript NM_006567.5 (MANE Select); coding-DNA position 677, A replaced by G.
Protein change: p.His226Arg; replaces histidine 226 with arginine.
Molecular consequence: missense variant. On other transcripts: 5 prime UTR variant (2).
Genome position (GRCh38, 1-based): chr6:5,404,606, A>G. VCF-style: chr6-5404606-A-G. GRCh37 (hg19) VCF-style: chr6-5404839-A-G.
Other names: c.677A>G, p.His226Arg (NM_001318872.2, NM_001374875.1, NM_001374876.1 and 5 more transcripts); c.-20A>G (NM_001375259.1, NM_001375260.1); short protein forms H226R.
Identifiers: ClinVar variation 4737059 (VCV004737059.1).
Genomic context (GRCh38, chr6:5,404,606, plus strand): 5'-TTGCTGGTATAAAGGATGGAGAAAGCCTGCAGCTCTTTGAACAAAGTTCTCGCTCTGCGC[A>G]TAAACAAGAGACACACACCATGGAGGCCGTGAAGCTTGTAGAGTTTGATCTTAAGCAAAC-3'
Protein context (NP_006558.1, residues 216-236): QLFEQSSRSA[His226Arg]KQETHTMEAV

ClinVar aggregate classification (germline): Uncertain significance (1 of 4 stars; one submission).

Conditions:
Combined oxidative phosphorylation defect type 14. Also called: Combined oxidative phosphorylation deficiency 14. Identifiers: Orphanet 319519, MedGen C4755312, MONDO:0013986, OMIM 614946.

gnomAD v4.1: 1 of 1,613,252 alleles (0.000062%); highest among the groups gnomAD compares: Non-Finnish European, 0.000085%; no homozygotes.

Submission:

Labcorp Genetics (formerly Invitae), Labcorp
Classification: Uncertain significance for Combined oxidative phosphorylation defect type 14. Last evaluated: 2025-02-17. Review status: criteria provided, single submitter. Criteria: Invitae Variant Classification Sherloc (09022015). Collection method: clinical testing. Allele origin: germline.
Comment: This sequence change replaces histidine, which is basic and polar, with arginine, which is basic and polar, at codon 226 of the FARS2 protein (p.His226Arg). This variant is present in population databases (no rsID available, gnomAD 0.0009%). This variant has not been reported in the literature in individuals affected with FARS2-related conditions. Invitae Evidence Modeling of protein sequence and biophysical properties (such as structural, functional, and spatial information, amino acid conservation, physicochemical variation, residue mobility, and thermodynamic stability) indicates that this missense variant is not expected to disrupt FARS2 protein function with a negative predictive value of 80%. In summary, the available evidence is currently insufficient to determine the role of this variant in disease. Therefore, it has been classified as a Variant of Uncertain Significance.